The following is an entry in ClinVar:

NM_001365951.3(KIF1B):c.3890C>T (p.Thr1297Ile)

Gene: KIF1B (kinesin family member 1B; plus strand). Cytogenetic location: 1p36.22.
Variant type: single nucleotide variant.
Coding change: c.3890C>T on transcript NM_001365951.3 (MANE Select); coding-DNA position 3890, C replaced by T.
Protein change: p.Thr1297Ile; replaces threonine 1297 with isoleucine.
Molecular consequence: missense variant.
Genome position (GRCh38, 1-based): chr1:10,348,674, C>T. VCF-style: chr1-10348674-C-T. GRCh37 (hg19) VCF-style: chr1-10408732-C-T.
Other names: c.3890C>T, p.Thr1297Ile (NM_001365952.1); c.3752C>T, p.Thr1251Ile (NM_015074.3); short protein forms T1251I, T1297I.
Identifiers: ClinVar variation 2904992 (VCV002904992.3), dbSNP rs1569872600, ClinGen allele CA338343579.

ClinVar aggregate classification (germline): Uncertain significance (1 of 4 stars; one submission).

Conditions:
Charcot-Marie-Tooth disease type 2. Also called: Charcot-Marie-Tooth type 2. Identifiers: Orphanet 64746, MedGen C0270914, MONDO:0018993.

Submission:

Labcorp Genetics (formerly Invitae), Labcorp
Classification: Uncertain significance for Charcot-Marie-Tooth disease type 2. Last evaluated: 2022-12-15. Review status: criteria provided, single submitter. Criteria: Invitae Variant Classification Sherloc (09022015). Collection method: clinical testing. Allele origin: germline.
Comment: In summary, the available evidence is currently insufficient to determine the role of this variant in disease. Therefore, it has been classified as a Variant of Uncertain Significance. Algorithms developed to predict the effect of missense changes on protein structure and function are either unavailable or do not agree on the potential impact of this missense change (SIFT: "Deleterious"; PolyPhen-2: "Probably Damaging"; Align-GVGD: "Class C15"). This variant has not been reported in the literature in individuals affected with KIF1B-related conditions. This variant is not present in population databases (gnomAD no frequency). This sequence change replaces threonine, which is neutral and polar, with isoleucine, which is neutral and non-polar, at codon 1251 of the KIF1B protein (p.Thr1251Ile).